The following is an entry in ClinVar:

ClinVar aggregate classification (germline): Pathogenic (1 of 4 stars; one submission).

Allele frequency attached by ClinVar (database versions not stated): gnomAD exomes below 0.00001; ExAC 0.00001; gnomAD 0.00001.
gnomAD v4.1: 8 of 1,614,004 alleles (0.0005%); highest among the groups gnomAD compares: Non-Finnish European, 0.00059%; no homozygotes.

Submission:

Labcorp Genetics (formerly Invitae), Labcorp
Classification: Pathogenic. Last evaluated: 2024-05-01. Review status: criteria provided, single submitter. Criteria: Invitae Variant Classification Sherloc (09022015). Collection method: clinical testing. Allele origin: germline.
Comment: This sequence change creates a premature translational stop signal (p.Glu764*) in the POP1 gene. It is expected to result in an absent or disrupted protein product. Loss-of-function variants in POP1 are known to be pathogenic (PMID: 21455487). This variant is present in population databases (rs746612913, gnomAD 0.0009%). This variant has not been reported in the literature in individuals affected with POP1-related conditions. ClinVar contains an entry for this variant (Variation ID: 1496847). Algorithms developed to predict the effect of sequence changes on RNA splicing suggest that this variant may disrupt the consensus splice site. For these reasons, this variant has been classified as Pathogenic.

Literature cited by the submitters: PubMed 21455487.

NM_001145860.2(POP1):c.2290G>T (p.Glu764Ter)

Gene: POP1 (POP1 ribonuclease P/MRP subunit; plus strand). Cytogenetic location: 8q22.2.
Variant type: single nucleotide variant.
Coding change: c.2290G>T on transcript NM_001145860.2 (MANE Select); coding-DNA position 2290, G replaced by T.
Protein change: p.Glu764Ter; replaces glutamic acid 764 with a stop codon.
Molecular consequence: nonsense.
Genome position (GRCh38, 1-based): chr8:98,156,282, G>T. VCF-style: chr8-98156282-G-T. GRCh37 (hg19) VCF-style: chr8-99168510-G-T.
Other names: c.2290G>T, p.Glu764Ter (NM_001145861.2, NM_015029.3); short protein forms E764*.
Identifiers: ClinVar variation 1496847 (VCV001496847.6), dbSNP rs746612913, ClinGen allele CA4820800.